The following is an entry in ClinVar:

ClinVar aggregate classification (germline): Pathogenic. Review status: criteria provided, single submitter (1 of 4 stars). 2 submissions from 2 submitters: Pathogenic (1). 1 of the submissions does not count toward it. Last evaluated 2025-08-11.

Conditions:
DUOX2-related disorder. Also called: DUOX2-related condition.

Allele frequency attached by ClinVar (database versions not stated): gnomAD 0.00001; gnomAD exomes 0.00001; TOPMed 0.00001; ExAC 0.00002.
gnomAD v4.1: 21 of 1,614,094 alleles (0.0013%); highest among the groups gnomAD compares: Admixed American, 0.005%; no homozygotes.

Submissions (2):

Labcorp Genetics (formerly Invitae), Labcorp
Classification: Pathogenic. Last evaluated: 2025-08-11. Review status: criteria provided, single submitter. Criteria: Invitae Variant Classification Sherloc (09022015). Collection method: clinical testing. Allele origin: germline.
Comment: This sequence change creates a premature translational stop signal (p.Glu905*) in the DUOX2 gene. It is expected to result in an absent or disrupted protein product. Loss-of-function variants in DUOX2 are known to be pathogenic (PMID: 12110737, 18765513, 21565790, 24423310, 24735383). This variant is present in population databases (rs776336201, gnomAD 0.009%). This variant has not been reported in the literature in individuals affected with DUOX2-related conditions. ClinVar contains an entry for this variant (Variation ID: 2996397). For these reasons, this variant has been classified as Pathogenic.

PreventionGenetics, part of Exact Sciences
Classification: Likely pathogenic for DUOX2-related condition. Last evaluated: 2024-02-13. Review status: no assertion criteria provided. Collection method: clinical testing. Allele origin: germline. Not counted in ClinVar's aggregate classification.
Comment: The DUOX2 c.2713G>T variant is predicted to result in premature protein termination (p.Glu905*). This variant was reported as a pathogenic/likely pathogenic variant in a study of worldwide carrier frequency and predicted genetic prevalence of autosomal recessive congenital hypothyroidism based on general population data (Table S6, Park et al. 2021. PubMed ID: 34200080). This variant is reported in 0.0085% of alleles in individuals of Latino descent in gnomAD. Nonsense variants in DUOX2 are expected to be pathogenic. This variant is interpreted as likely pathogenic.

Literature cited by the submitters: PubMed 12110737 (cited by Labcorp Genetics (formerly Invitae), Labcorp); PubMed 18765513 (cited by Labcorp Genetics (formerly Invitae), Labcorp); PubMed 21565790 (cited by Labcorp Genetics (formerly Invitae), Labcorp); PubMed 24423310 (cited by Labcorp Genetics (formerly Invitae), Labcorp); PubMed 24735383 (cited by Labcorp Genetics (formerly Invitae), Labcorp).

NM_001363711.2(DUOX2):c.2713G>T (p.Glu905Ter)

Gene: DUOX2 (dual oxidase 2; minus strand). Cytogenetic location: 15q21.1.
Variant type: single nucleotide variant.
Coding change: c.2713G>T on transcript NM_001363711.2 (MANE Select); coding-DNA position 2713, G replaced by T.
Protein change: p.Glu905Ter; replaces glutamic acid 905 with a stop codon.
Molecular consequence: nonsense.
Genome position (GRCh38, 1-based): chr15:45,101,931, C>A on the plus strand (G>T on the coding strand, the complement: DUOX2 is on the minus strand). VCF-style: chr15-45101931-C-A. GRCh37 (hg19) VCF-style: chr15-45394129-C-A.
Other names: c.2713G>T (NM_014080.4); c.2713G>T, p.Glu905Ter (NM_014080.5); short protein forms E905*.
Identifiers: ClinVar variation 2996397 (VCV002996397.6), dbSNP rs776336201, ClinGen allele CA7538165.
Genomic context (GRCh38, chr15:45,101,931, plus strand): 5'-GAAAATCCTCCCATGTCAGCTCCTCCTTGTCCTGGAATCCCGACTCCCGGAACATAGACT[C>A]CACCACCTCGGCCAGCTGGGCCTTGGACAGGCAGTTGTTGGAGATCTCGATGAAGGATCT-3'